The following is an entry in ClinVar:

ClinVar aggregate classification (germline): Likely benign. Review status: criteria provided, multiple submitters, no conflicts (2 of 4 stars). 4 submissions from 4 submitters: Likely benign (3). 1 of the submissions does not count toward it. Last evaluated 2026-02-20.

Conditions:
Leber congenital amaurosis 5 (LCA5). Also called: Amaurosis congenita of Leber, type 5. Identifiers: Orphanet 65, MedGen C1858301, MONDO:0011473, OMIM 604537.
LCA5-related disorder. Also called: LCA5-related condition.

Allele frequency attached by ClinVar (database versions not stated): gnomAD below 0.00001 and 0.00001; TOPMed below 0.00001; gnomAD exomes 0.00005 and 0.00008; ExAC 0.00011.
gnomAD v4.1: 69 of 1,612,756 alleles (0.0043%); highest among the groups gnomAD compares: South Asian, 0.073%; no homozygotes.

Submissions (4):

PreventionGenetics, part of Exact Sciences
Classification: Likely benign for LCA5-related condition. Last evaluated: 2026-02-20. Review status: criteria provided, single submitter. Criteria: ACMG Guidelines, 2015. Collection method: clinical testing. Allele origin: germline.
Comment: This variant is classified as likely benign based on ACMG/AMP sequence variant interpretation guidelines (Richards et al. 2015 PMID: 25741868, with internal and published modifications).

Blueprint Genetics
Classification: Likely benign. Last evaluated: 2024-06-26. Review status: criteria provided, single submitter. Criteria: ACMG Guidelines, 2015. Collection method: clinical testing. Allele origin: germline.

Labcorp Genetics (formerly Invitae), Labcorp
Classification: Likely benign. Last evaluated: 2023-11-02. Review status: criteria provided, single submitter. Criteria: Invitae Variant Classification Sherloc (09022015). Collection method: clinical testing. Allele origin: germline.

Natera, Inc.
Classification: Likely benign for Leber congenital amaurosis type 5. Last evaluated: 2020-03-17. Review status: no assertion criteria provided. Collection method: clinical testing. Allele origin: germline. Not counted in ClinVar's aggregate classification.

NM_001122769.3(LCA5):c.735C>T (p.Asn245=)

Gene: LCA5 (lebercilin LCA5; minus strand). Cytogenetic location: 6q14.1.
Variant type: single nucleotide variant.
Coding change: c.735C>T on transcript NM_001122769.3 (MANE Select); coding-DNA position 735, C replaced by T.
Protein change: p.Asn245=; no amino-acid change (asparagine 245 retained).
Molecular consequence: synonymous variant.
Genome position (GRCh38, 1-based): chr6:79,493,736, G>A on the plus strand (C>T on the coding strand, the complement: LCA5 is on the minus strand). VCF-style: chr6-79493736-G-A. GRCh37 (hg19) VCF-style: chr6-80203453-G-A.
Other names: c.735C>T, p.Asn245= (NM_181714.4).
Identifiers: ClinVar variation 721742 (VCV000721742.13), dbSNP rs781334192, ClinGen allele CA3901035.
Genomic context (GRCh38, chr6:79,493,736, plus strand): 5'-ATATGCCCTTTTCCTTTCAGCAAGCAACTGTCGTTGGAAACTGTTAGTACTCAGTTCAAG[G>A]TTTTTCGATAGCTCCTATATGTATAAATACATAAAAAGCAGTCCTTTAAAAAAATTCCAA-3'
Protein context (NP_001116241.1, residues 235-255): TERRIKELSK[Asn245=]LELSTNSFQR